The following is an entry in ClinVar:

ClinVar aggregate classification (germline): Uncertain significance (1 of 4 stars; one submission).

Conditions:
Primary ciliary dyskinesia. Also called: Ciliary dyskinesia. Identifiers: Orphanet 244, MedGen C0008780, MONDO:0016575, HP:0012265.

Allele frequency attached by ClinVar (database versions not stated): gnomAD 0.00001; gnomAD exomes 0.00001; TOPMed 0.00002; ExAC 0.00004.
gnomAD v4.1: 6 of 1,604,098 alleles (0.00037%); highest among the groups gnomAD compares: Admixed American, 0.0085%; no homozygotes.

Submission:

Labcorp Genetics (formerly Invitae), Labcorp
Classification: Uncertain significance for Primary ciliary dyskinesia. Last evaluated: 2021-09-02. Review status: criteria provided, single submitter. Criteria: Invitae Variant Classification Sherloc (09022015). Collection method: clinical testing. Allele origin: germline.
Comment: This sequence change replaces proline with serine at codon 3 of the DRC1 protein (p.Pro3Ser). The proline residue is weakly conserved and there is a moderate physicochemical difference between proline and serine. This variant is present in population databases (rs759091863, ExAC 0.05%). This variant has not been reported in the literature in individuals affected with DRC1-related conditions. Algorithms developed to predict the effect of missense changes on protein structure and function output the following: SIFT: "Tolerated"; PolyPhen-2: "Benign"; Align-GVGD: "Class C0". The serine amino acid residue is found in multiple mammalian species, which suggests that this missense change does not adversely affect protein function. In summary, the available evidence is currently insufficient to determine the role of this variant in disease. Therefore, it has been classified as a Variant of Uncertain Significance.

NM_145038.5(DRC1):c.7C>T (p.Pro3Ser)

Gene: DRC1 (dynein regulatory complex subunit 1; plus strand). Cytogenetic location: 2p23.3.
Variant type: single nucleotide variant.
Coding change: c.7C>T on transcript NM_145038.5 (MANE Select); coding-DNA position 7, C replaced by T.
Protein change: p.Pro3Ser; replaces proline 3 with serine.
Molecular consequence: missense variant.
Genome position (GRCh38, 1-based): chr2:26,401,996, C>T. VCF-style: chr2-26401996-C-T. GRCh37 (hg19) VCF-style: chr2-26624864-C-T.
Other names: short protein forms P3S.
Identifiers: ClinVar variation 641255 (VCV000641255.6), dbSNP rs759091863, ClinGen allele CA1561716.